The following is an entry in ClinVar:

NM_000260.4(MYO7A):c.4909C>T (p.His1637Tyr)

Gene: MYO7A (myosin VIIA; plus strand). Cytogenetic location: 11q13.5.
Variant type: single nucleotide variant.
Coding change: c.4909C>T on transcript NM_000260.4 (MANE Select); coding-DNA position 4909, C replaced by T.
Protein change: p.His1637Tyr; replaces histidine 1637 with tyrosine.
Molecular consequence: missense variant.
Genome position (GRCh38, 1-based): chr11:77,201,504, C>T. VCF-style: chr11-77201504-C-T. GRCh37 (hg19) VCF-style: chr11-76912549-C-T.
Other names: c.4795C>T, p.His1599Tyr (NM_001127180.2); c.4762C>T, p.His1588Tyr (NM_001369365.1); short protein forms H1588Y, H1599Y, H1637Y.
Identifiers: ClinVar variation 1309753 (VCV001309753.5), dbSNP rs887707747, ClinGen allele CA381951207.

ClinVar aggregate classification (germline): Uncertain significance. Review status: criteria provided, multiple submitters, no conflicts (2 of 4 stars). 3 submissions from 3 submitters: Uncertain significance (3). Last evaluated 2026-09-22.

Submissions (3):

GeneDx
Classification: Uncertain significance. Last evaluated: 2026-09-22. Review status: criteria provided, single submitter. Criteria: GeneDx Variant Classification Process June 2021. Collection method: clinical testing. Allele origin: germline.
Comment: Not observed at significant frequency in large population cohorts (gnomAD); In silico analysis supports that this missense variant has a deleterious effect on protein structure/function; Has not been previously published as pathogenic or benign to our knowledge

Labcorp Genetics (formerly Invitae), Labcorp
Classification: Uncertain significance. Last evaluated: 2025-07-16. Review status: criteria provided, single submitter. Criteria: Invitae Variant Classification Sherloc (09022015). Collection method: clinical testing. Allele origin: germline.
Comment: This sequence change replaces histidine, which is basic and polar, with tyrosine, which is neutral and polar, at codon 1637 of the MYO7A protein (p.His1637Tyr). This variant is not present in population databases (gnomAD no frequency). This variant has not been reported in the literature in individuals affected with MYO7A-related conditions. ClinVar contains an entry for this variant (Variation ID: 1309753). Invitae Evidence Modeling of protein sequence and biophysical properties (such as structural, functional, and spatial information, amino acid conservation, physicochemical variation, residue mobility, and thermodynamic stability) indicates that this missense variant is not expected to disrupt MYO7A protein function with a negative predictive value of 95%. In summary, the available evidence is currently insufficient to determine the role of this variant in disease. Therefore, it has been classified as a Variant of Uncertain Significance.

Revvity Omics, Revvity
Classification: Uncertain significance. Last evaluated: 2024-12-30. Review status: criteria provided, single submitter. Criteria: ACMG Guidelines, 2015. Collection method: clinical testing. Allele origin: germline.